The following is an entry in ClinVar:

NM_003073.5(SMARCB1):c.26C>T (p.Thr9Ile)

Gene: SMARCB1 (SWI/SNF related BAF chromatin remodeling complex subunit B1; plus strand). Cytogenetic location: 22q11.23.
Variant type: single nucleotide variant.
Coding change: c.26C>T on transcript NM_003073.5 (MANE Select); coding-DNA position 26, C replaced by T.
Protein change: p.Thr9Ile; replaces threonine 9 with isoleucine.
Molecular consequence: missense variant.
Genome position (GRCh38, 1-based): chr22:23,787,195, C>T. VCF-style: chr22-23787195-C-T. GRCh37 (hg19) VCF-style: chr22-24129382-C-T.
Other names: c.26C>T, p.Thr9Ile (NM_001007468.3, NM_001317946.2, NM_001362877.2); short protein forms T9I.
Identifiers: ClinVar variation 4550087 (VCV004550087.1).

ClinVar aggregate classification (germline): Uncertain significance (1 of 4 stars; one submission).

Conditions:
Hereditary cancer-predisposing syndrome. Also called: Tumor predisposition; Hereditary Cancer Syndrome; Hereditary neoplastic syndrome; Neoplastic Syndromes, Hereditary. Identifiers: Orphanet 140162, MedGen C0027672, MeSH D009386, MONDO:0015356.

Submission:

Ambry Genetics
Classification: Uncertain significance for Hereditary cancer-predisposing syndrome. Last evaluated: 2025-10-16. Review status: criteria provided, single submitter. Criteria: Ambry Variant Classification Scheme 2023. Collection method: clinical testing. Allele origin: germline.
Comment: The p.T9I variant (also known as c.26C>T), located in coding exon 1 of the SMARCB1 gene, results from a C to T substitution at nucleotide position 26. The threonine at codon 9 is replaced by isoleucine, an amino acid with similar properties. This amino acid position is highly conserved in available vertebrate species. In addition, the in silico prediction for this alteration is inconclusive. Based on the available evidence, the clinical significance of this variant remains unclear.